The following is an entry in ClinVar:

ClinVar aggregate classification (germline): Uncertain significance. Review status: criteria provided, multiple submitters, no conflicts (2 of 4 stars). 3 submissions from 3 submitters: Uncertain significance (3). Last evaluated 2025-06-30.

Conditions:
Malignant hyperthermia, susceptibility to, 1 (MHS1). Also called: RYR1-Related Malignant Hyperthermia Susceptibility; Anesthesia related hyperthermia; Malignant hyperpyrexia; Fulminating hyperpyrexia; Pharmacogenic myopathy; Malignant hyperthermia suceptibility 1. Identifiers: Orphanet 423, MedGen C2930980, MONDO:0007783, OMIM 145600.
RYR1-related disorder. Also called: RYR1-related condition; RYR1-related disorders. Identifiers: MedGen CN239331.

Allele frequency attached by ClinVar (database versions not stated): TOPMed below 0.00001; ExAC 0.00001.
gnomAD v4.1: 4 of 1,614,122 alleles (0.00025%); highest among the groups gnomAD compares: Non-Finnish European, 0.00034%; no homozygotes.

Submissions (3):

Color Diagnostics, LLC DBA Color Health
Classification: Uncertain significance for Malignant hyperthermia, susceptibility to, 1. Last evaluated: 2025-06-30. Review status: criteria provided, single submitter. Criteria: ACMG Guidelines, 2015. Collection method: clinical testing. Allele origin: germline.
Comment: This missense variant replaces valine with isoleucine at codon 3324 of the RYR1 protein. Computational prediction suggests that this variant may not impact protein structure and function. To our knowledge, functional studies have not been reported for this variant. This variant has not been reported in individuals affected with RYR1-related disorders in the literature. This variant has been identified in 1/249022 chromosomes in the general population by the Genome Aggregation Database (gnomAD). The available evidence is insufficient to determine the role of this variant in disease conclusively. Therefore, this variant is classified as a Variant of Uncertain Significance.

All of Us Research Program, National Institutes of Health
Classification: Uncertain significance for Malignant hyperthermia, susceptibility to, 1. Last evaluated: 2023-05-04. Review status: criteria provided, single submitter. Criteria: ACMG Guidelines, 2015. Collection method: clinical testing. Allele origin: germline. Inheritance: Autosomal dominant inheritance. Observed: 1 variant allele, 1 heterozygote.
Comment: This missense variant replaces valine with isoleucine at codon 3324 of the RYR1 protein. Computational prediction suggests that this variant may not impact protein structure and function (internally defined REVEL score threshold <= 0.5, PMID: 27666373). To our knowledge, functional studies have not been reported for this variant. This variant has not been reported in individuals affected with RYR1-related disorders in the literature. This variant has been identified in 1/249022 chromosomes in the general population by the Genome Aggregation Database (gnomAD). The available evidence is insufficient to determine the role of this variant in disease conclusively. Therefore, this variant is classified as a Variant of Uncertain Significance.

This study involves interpretation of variants in research participants for the purpose of population health screening. Participant phenotype was not available at the time of variant classification. Additional details can be found in publication PMID: 35346344, PMCID: PMC8962531

Labcorp Genetics (formerly Invitae), Labcorp
Classification: Uncertain significance for RYR1-related disorder. Last evaluated: 2021-08-31. Review status: criteria provided, single submitter. Criteria: Invitae Variant Classification Sherloc (09022015). Collection method: clinical testing. Allele origin: germline.
Comment: This sequence change replaces valine with isoleucine at codon 3324 of the RYR1 protein (p.Val3324Ile). The valine residue is moderately conserved and there is a small physicochemical difference between valine and isoleucine. This variant is present in population databases (rs761241693, ExAC 0.002%). This variant has not been reported in the literature in individuals affected with RYR1-related conditions. Algorithms developed to predict the effect of missense changes on protein structure and function (SIFT, PolyPhen-2, Align-GVGD) all suggest that this variant is likely to be tolerated. In summary, the available evidence is currently insufficient to determine the role of this variant in disease. Therefore, it has been classified as a Variant of Uncertain Significance.

NM_000540.3(RYR1):c.9970G>A (p.Val3324Ile)

Gene: RYR1 (ryanodine receptor 1; plus strand). Cytogenetic location: 19q13.2.
Variant type: single nucleotide variant.
Coding change: c.9970G>A on transcript NM_000540.3 (MANE Select); coding-DNA position 9970, G replaced by A.
Protein change: p.Val3324Ile; replaces valine 3324 with isoleucine.
Molecular consequence: missense variant.
Genome position (GRCh38, 1-based): chr19:38,517,643, G>A. VCF-style: chr19-38517643-G-A. GRCh37 (hg19) VCF-style: chr19-39008283-G-A.
Other names: c.9970G>A, p.Val3324Ile (NM_001042723.2); short protein forms V3324I.
Identifiers: ClinVar variation 958897 (VCV000958897.8), dbSNP rs761241693, ClinGen allele CA074370.